The following is an entry in ClinVar:

ClinVar aggregate classification (germline): Uncertain significance. Review status: criteria provided, single submitter (1 of 4 stars). 2 submissions from 2 submitters: Uncertain significance (1). 1 of the submissions does not count toward it. Last evaluated 2022-02-20.

Conditions:
Deficiency of alpha-mannosidase (MANSA). Also called: Alpha-Mannosidosis; Mannosidosis, alpha-, types I and II; LYSOSOMAL ALPHA-D-MANNOSIDASE DEFICIENCY. Identifiers: Orphanet 61, MedGen C0024748, MONDO:0009561, OMIM 248500.

Allele frequency attached by ClinVar (database versions not stated): gnomAD exomes 0.00001.
gnomAD v4.1: 7 of 1,614,008 alleles (0.00043%); highest among the groups gnomAD compares: Non-Finnish European, 0.00059%; no homozygotes.

Submissions (2):

Labcorp Genetics (formerly Invitae), Labcorp
Classification: Uncertain significance for Deficiency of alpha-mannosidase. Last evaluated: 2022-02-20. Review status: criteria provided, single submitter. Criteria: Invitae Variant Classification Sherloc (09022015). Collection method: clinical testing. Allele origin: germline.
Comment: This sequence change replaces glutamic acid, which is acidic and polar, with aspartic acid, which is acidic and polar, at codon 532 of the MAN2B1 protein (p.Glu532Asp). This variant is not present in population databases (gnomAD no frequency). This variant has not been reported in the literature in individuals affected with MAN2B1-related conditions. ClinVar contains an entry for this variant (Variation ID: 1060134). Algorithms developed to predict the effect of missense changes on protein structure and function output the following: SIFT: "Tolerated"; PolyPhen-2: "Benign"; Align-GVGD: "Class C0". The aspartic acid amino acid residue is found in multiple mammalian species, which suggests that this missense change does not adversely affect protein function. In summary, the available evidence is currently insufficient to determine the role of this variant in disease. Therefore, it has been classified as a Variant of Uncertain Significance.

Natera, Inc.
Classification: Uncertain significance for Alpha-mannosidosis. Last evaluated: 2020-09-28. Review status: no assertion criteria provided. Collection method: clinical testing. Allele origin: germline. Not counted in ClinVar's aggregate classification.

NM_000528.4(MAN2B1):c.1596A>C (p.Glu532Asp)

Gene: MAN2B1 (mannosidase alpha class 2B member 1; minus strand). Cytogenetic location: 19p13.13.
Variant type: single nucleotide variant.
Coding change: c.1596A>C on transcript NM_000528.4 (MANE Select); coding-DNA position 1596, A replaced by C.
Protein change: p.Glu532Asp; replaces glutamic acid 532 with aspartic acid.
Molecular consequence: missense variant.
Genome position (GRCh38, 1-based): chr19:12,656,619, T>G on the plus strand (A>C on the coding strand, the complement: MAN2B1 is on the minus strand). VCF-style: chr19-12656619-T-G. GRCh37 (hg19) VCF-style: chr19-12767433-T-G.
Other names: c.1593A>C, p.Glu531Asp (NM_001173498.2); short protein forms E531D, E532D.
Identifiers: ClinVar variation 1060134 (VCV001060134.6), dbSNP rs2023965888, ClinGen allele CA404245635.